The following is an entry in ClinVar:

NM_001029883.3(PCARE):c.1642A>G (p.Ile548Val)

Gene: PCARE (photoreceptor cilium actin regulator; minus strand). Cytogenetic location: 2p23.2.
Variant type: single nucleotide variant.
Coding change: c.1642A>G on transcript NM_001029883.3 (MANE Select); coding-DNA position 1642, A replaced by G.
Protein change: p.Ile548Val; replaces isoleucine 548 with valine.
Molecular consequence: missense variant.
Genome position (GRCh38, 1-based): chr2:29,072,620, T>C on the plus strand (A>G on the coding strand, the complement: PCARE is on the minus strand). VCF-style: chr2-29072620-T-C. GRCh37 (hg19) VCF-style: chr2-29295486-T-C.
Other names: short protein forms I548V.
Identifiers: ClinVar variation 2023855 (VCV002023855.4), dbSNP rs1189015284, ClinGen allele CA346479225.

ClinVar aggregate classification (germline): Uncertain significance (1 of 4 stars; one submission).

Allele frequency attached by ClinVar (database versions not stated): TOPMed below 0.00001; gnomAD 0.00001.
gnomAD v4.1: 1 of 1,614,044 alleles (0.000062%); highest among the groups gnomAD compares: Non-Finnish European, 0.000085%; no homozygotes.

Submission:

Labcorp Genetics (formerly Invitae), Labcorp
Classification: Uncertain significance. Last evaluated: 2022-10-04. Review status: criteria provided, single submitter. Criteria: Invitae Variant Classification Sherloc (09022015). Collection method: clinical testing. Allele origin: germline.
Comment: In summary, the available evidence is currently insufficient to determine the role of this variant in disease. Therefore, it has been classified as a Variant of Uncertain Significance. Algorithms developed to predict the effect of missense changes on protein structure and function (SIFT, PolyPhen-2, Align-GVGD) all suggest that this variant is likely to be disruptive. This variant has not been reported in the literature in individuals affected with PCARE-related conditions. This variant is not present in population databases (gnomAD no frequency). This sequence change replaces isoleucine, which is neutral and non-polar, with valine, which is neutral and non-polar, at codon 548 of the PCARE protein (p.Ile548Val).